The following is an entry in ClinVar:

NM_152564.5(VPS13B):c.5535del (p.Asp1846fs)

Gene: VPS13B (vacuolar protein sorting 13 homolog B; plus strand). Cytogenetic location: 8q22.2.
Variant type: Deletion.
Coding change: c.5535del on transcript NM_152564.5 (MANE Select); coding-DNA position 5535, one base deleted (A; older notation c.5535delA).
Protein change: p.Asp1846fs; shifts the reading frame from aspartic acid 1846.
Molecular consequence: frameshift variant.
Genome position (GRCh38, 1-based): chr8:99,642,125, A deleted. VCF-style (leftmost placement, unchanged base first): chr8-99642124-CA-C. GRCh37 (hg19) VCF-style: chr8-100654352-CA-C.
Other names: c.5610del, p.Asp1871fs (NM_017890.5); short protein forms D1846fs, D1871fs.
Identifiers: ClinVar variation 5002739 (VCV005002739.1).

ClinVar aggregate classification (germline): Likely pathogenic (1 of 4 stars; one submission).

Conditions:
Cohen syndrome (COH1). Also called: Cutis verticis gyrata, retinitis pigmentosa, and sensorineural deafness; PEPPER SYNDROME. Identifiers: Orphanet 193, MedGen C0265223, MONDO:0008999, OMIM 216550.

Submission:

OLLIN Analises Genomicas, OLLIN
Classification: Likely pathogenic for Cohen syndrome. Last evaluated: 2026-08-06. Review status: criteria provided, single submitter. Criteria: ACMG Guidelines 2015 PMID 25741868. Collection method: clinical testing. Allele origin: germline. Inheritance: Autosomal recessive inheritance.
Comment: This frameshift variant, located in exon 34 (of 62), is absent from gnomAD and ClinVar and has not been identified in the literature. This variant causes a frameshift and introduces a premature stop codon, which is predicted to result in either a truncated protein or degradation of the mRNA via nonsense-mediated decay (NMD). According to the currently available evidence, this variant has been classified as likely pathogenic (PVS1, PM2_P).